The following is an entry in ClinVar:

ClinVar aggregate classification (germline): Uncertain significance (1 of 4 stars; one submission).

Submission:

Women's Health and Genetics/Laboratory Corporation of America, LabCorp
Classification: Uncertain significance. Last evaluated: 2026-06-26. Review status: criteria provided, single submitter. Criteria: LabCorp Variant Classification Summary - May 2015. Collection method: clinical testing. Allele origin: germline.
Comment: Variant summary: SLC16A2 c.904C>G (p.Arg302Gly) results in a non-conservative amino acid change in the encoded protein sequence. Algorithms developed to predict the effect of missense changes on protein structure and function are either unavailable or do not agree on the potential impact of this missense change. The variant was absent in 183310 control chromosomes. The available data on variant occurrences in the general population are insufficient to allow any conclusion about variant significance. To our knowledge, no occurrence of c.904C>G in individuals affected with SLC16A2-related conditions and no experimental evidence demonstrating its impact on protein function have been reported. No submitters have cited clinical-significance assessments for this variant to ClinVar. Based on the evidence outlined above, the variant was classified as uncertain significance.

NM_006517.5(SLC16A2):c.904C>G (p.Arg302Gly)

Gene: SLC16A2 (solute carrier family 16 member 2; plus strand). Cytogenetic location: Xq13.2.
Variant type: single nucleotide variant.
Coding change: c.904C>G on transcript NM_006517.5 (MANE Select); coding-DNA position 904, C replaced by G.
Protein change: p.Arg302Gly; replaces arginine 302 with glycine.
Molecular consequence: missense variant.
Genome position (GRCh38, 1-based): chrX:74,524,687, C>G. VCF-style: chrX-74524687-C-G. GRCh37 (hg19) VCF-style: chrX-73744522-C-G.
Other names: short protein forms R302G.
Identifiers: ClinVar variation 4887651 (VCV004887651.1).